The following is an entry in ClinVar:

ClinVar aggregate classification (germline): Uncertain significance (1 of 4 stars; one submission).

gnomAD v4.1: 8 of 1,612,524 alleles (0.0005%); highest among the groups gnomAD compares: Non-Finnish European, 0.00068%; no homozygotes.

Submission:

Labcorp Genetics (formerly Invitae), Labcorp
Classification: Uncertain significance. Last evaluated: 2022-06-13. Review status: criteria provided, single submitter. Criteria: Invitae Variant Classification Sherloc (09022015). Collection method: clinical testing. Allele origin: germline.
Comment: This sequence change replaces threonine, which is neutral and polar, with alanine, which is neutral and non-polar, at codon 22 of the EXOSC2 protein (p.Thr22Ala). This variant is not present in population databases (gnomAD no frequency). This variant has not been reported in the literature in individuals affected with EXOSC2-related conditions. Algorithms developed to predict the effect of missense changes on protein structure and function (SIFT, PolyPhen-2, Align-GVGD) all suggest that this variant is likely to be tolerated. In summary, the available evidence is currently insufficient to determine the role of this variant in disease. Therefore, it has been classified as a Variant of Uncertain Significance.

NM_014285.7(EXOSC2):c.64A>G (p.Thr22Ala)

Genes: EXOSC2 (exosome component 2; plus strand), LOC130002815 (ATAC-STARR-seq lymphoblastoid active region 29156; plus strand). Cytogenetic location: 9q34.12.
Variant type: single nucleotide variant.
Coding change: c.64A>G on transcript NM_014285.7 (MANE Select); coding-DNA position 64, A replaced by G.
Protein change: p.Thr22Ala; replaces threonine 22 with alanine.
Molecular consequence: missense variant. On other transcripts: non-coding transcript variant (1).
Genome position (GRCh38, 1-based): chr9:130,693,855, A>G. VCF-style: chr9-130693855-A-G. GRCh37 (hg19) VCF-style: chr9-133569242-A-G.
Other names: c.64A>G, p.Thr22Ala (NM_001282708.1, NM_001282709.1); short protein forms T22A.
Identifiers: ClinVar variation 1490530 (VCV001490530.3), dbSNP rs772506400, ClinGen allele CA375245981.